The following is an entry in ClinVar:

NM_001035.3(RYR2):c.8872C>G (p.Gln2958Glu)

Gene: RYR2 (ryanodine receptor 2; plus strand). Cytogenetic location: 1q43.
Variant type: single nucleotide variant.
Coding change: c.8872C>G on transcript NM_001035.3 (MANE Select); coding-DNA position 8872, C replaced by G.
Protein change: p.Gln2958Glu; replaces glutamine 2958 with glutamic acid.
Molecular consequence: missense variant.
Genome position (GRCh38, 1-based): chr1:237,678,089, C>G. VCF-style: chr1-237678089-C-G. GRCh37 (hg19) VCF-style: chr1-237841389-C-G.
Other names: short protein forms Q2958E.
Identifiers: ClinVar variation 3385806 (VCV003385806.3).

ClinVar aggregate classification (germline): Uncertain significance. Review status: criteria provided, multiple submitters, no conflicts (2 of 4 stars). 2 submissions from 2 submitters: Uncertain significance (2). Last evaluated 2024-07-20.

Conditions:
Catecholaminergic polymorphic ventricular tachycardia (CVPT). Also called: Catecholamine-induced polymorphic ventricular tachycardia. Identifiers: Orphanet 3286, MedGen C5574922, MONDO:0017990.
Catecholaminergic polymorphic ventricular tachycardia 1. Also called: VENTRICULAR TACHYCARDIA, CATECHOLAMINERGIC POLYMORPHIC, 1, WITH OR WITHOUT ATRIAL DYSFUNCTION AND/OR DILATED CARDIOMYOPATHY; VENTRICULAR TACHYCARDIA, STRESS-INDUCED POLYMORPHIC 1; RYR2-Related Catecholaminergic Polymorphic Ventricular Tachycardia. Identifiers: Orphanet 3286, MedGen C1631597, MONDO:0011484, OMIM 604772.

gnomAD v4.1: 1 of 1,602,386 alleles (0.000062%); highest among the groups gnomAD compares: Non-Finnish European, 0.000085%; no homozygotes.

Submissions (2):

All of Us Research Program, National Institutes of Health
Classification: Uncertain significance for Catecholaminergic polymorphic ventricular tachycardia. Last evaluated: 2024-07-20. Review status: criteria provided, single submitter. Criteria: ACMG Guidelines, 2015. Collection method: clinical testing. Allele origin: germline. Inheritance: Autosomal dominant inheritance. Observed: 1 variant allele, 1 heterozygote.
Comment: This missense variant replaces glutamine with glutamic acid at codon 2958 of the RYR2 protein. Computational prediction is inconclusive regarding the impact of this variant on protein structure and function (internally defined REVEL score threshold 0.5 < inconclusive < 0.7, PMID: 27666373). To our knowledge, functional studies have not been reported for this variant. This variant has not been reported in individuals affected with RYR2-related disorders in the literature. This variant has not been identified in the general population by the Genome Aggregation Database (gnomAD). The available evidence is insufficient to determine the role of this variant in disease conclusively. Therefore, this variant is classified as a Variant of Uncertain Significance.

This study involves interpretation of variants in research participants for the purpose of population health screening. Participant phenotype was not available at the time of variant classification. Additional details can be found in publication PMID: 35346344, PMCID: PMC8962531

Labcorp Genetics (formerly Invitae), Labcorp
Classification: Uncertain significance for Catecholaminergic polymorphic ventricular tachycardia 1. Last evaluated: 2024-04-03. Review status: criteria provided, single submitter. Criteria: Invitae Variant Classification Sherloc (09022015). Collection method: clinical testing. Allele origin: germline.
Comment: This sequence change replaces glutamine, which is neutral and polar, with glutamic acid, which is acidic and polar, at codon 2958 of the RYR2 protein (p.Gln2958Glu). This variant is not present in population databases (gnomAD no frequency). This variant has not been reported in the literature in individuals affected with RYR2-related conditions. Advanced modeling of protein sequence and biophysical properties (such as structural, functional, and spatial information, amino acid conservation, physicochemical variation, residue mobility, and thermodynamic stability) has been performed at Invitae for this missense variant, however the output from this modeling did not meet the statistical confidence thresholds required to predict the impact of this variant on RYR2 protein function. In summary, the available evidence is currently insufficient to determine the role of this variant in disease. Therefore, it has been classified as a Variant of Uncertain Significance.